The following is an entry in ClinVar:

ClinVar aggregate classification (germline): Pathogenic (1 of 4 stars; one submission).

Submission:

Labcorp Genetics (formerly Invitae), Labcorp
Classification: Pathogenic. Last evaluated: 2018-06-11. Review status: criteria provided, single submitter. Criteria: Invitae Variant Classification Sherloc (09022015). Collection method: clinical testing. Allele origin: germline.
Comment: For these reasons, this variant has been classified as Pathogenic. Loss-of-function variants in CTNND1 are known to be pathogenic (PMID:¬†29348693, 28301459). This variant has not been reported in the literature in individuals with CTNND1-related disease. A gross deletion of the genomic region encompassing the full coding sequence of the CTNND1 gene has been identified. The boundaries of this event are unknown as the deletion extends beyond the assayed region for this gene and therefore may encompass additional genes.

NC_000011.9:g.(?_57558951)_(57583780_?)del

Gene: CTNND1 (catenin delta 1; plus strand). Cytogenetic location: 11q12.1.
Variant type: Deletion.
Identifiers: ClinVar variation 1074253 (VCV001074253.5).